The following is an entry in ClinVar:

NM_001813.3(CENPE):c.6928A>G (p.Ile2310Val)

Gene: CENPE (centromere protein E; minus strand). Cytogenetic location: 4q24.
Variant type: single nucleotide variant.
Coding change: c.6928A>G on transcript NM_001813.3 (MANE Select); coding-DNA position 6928, A replaced by G.
Protein change: p.Ile2310Val; replaces isoleucine 2310 with valine.
Molecular consequence: missense variant.
Genome position (GRCh38, 1-based): chr4:103,123,086, T>C on the plus strand (A>G on the coding strand, the complement: CENPE is on the minus strand). VCF-style: chr4-103123086-T-C. GRCh37 (hg19) VCF-style: chr4-104044243-T-C.
Other names: c.6565A>G, p.Ile2189Val (NM_001286734.2); short protein forms I2189V, I2310V.
Identifiers: ClinVar variation 720574 (VCV000720574.10), dbSNP rs111281600, ClinGen allele CA3029257.

ClinVar aggregate classification (germline): Conflicting classifications of pathogenicity. Review status: criteria provided, conflicting classifications (1 of 4 stars). 3 submissions from 3 submitters: Uncertain significance (1); Likely benign (1). 1 of the submissions does not count toward it. Last evaluated 2019-12-31.

Conditions:
CENPE-related disorder. Also called: CENPE-related condition.

Allele frequency attached by ClinVar (database versions not stated): 1000 Genomes Project 30x 0.00141; gnomAD 0.00159 and 0.00175; gnomAD exomes 0.00050 and 0.00020; ExAC 0.00060; 1000 Genomes Project 0.00160; ESP Exome Variant Server 0.00231; TOPMed 0.00208.
gnomAD v4.1: 558 of 1,611,564 alleles (0.035%); highest among the groups gnomAD compares: African/African-American, 0.64%; 6 homozygotes.

Submissions (3):

Labcorp Genetics (formerly Invitae), Labcorp
Classification: Likely benign. Last evaluated: 2019-12-31. Review status: criteria provided, single submitter. Criteria: Invitae Variant Classification Sherloc (09022015). Collection method: clinical testing. Allele origin: germline.

Genetic Services Laboratory, University of Chicago
Classification: Uncertain significance. Last evaluated: 2017-09-22. Review status: criteria provided, single submitter. Criteria: ACMG Guidelines, 2015. Collection method: clinical testing. Allele origin: germline. Affected: no.

PreventionGenetics, part of Exact Sciences
Classification: Likely benign for CENPE-related condition. Last evaluated: 2019-04-10. Review status: no assertion criteria provided. Collection method: clinical testing. Allele origin: germline. Not counted in ClinVar's aggregate classification.
Comment: This variant is classified as likely benign based on ACMG/AMP sequence variant interpretation guidelines (Richards et al. 2015 PMID: 25741868, with internal and published modifications).